The following is an entry in ClinVar:

NM_001286577.2(C2CD3):c.6454G>A (p.Val2152Ile)

Gene: C2CD3 (C2 domain containing 3 centriole elongation regulator; minus strand). Cytogenetic location: 11q13.4.
Variant type: single nucleotide variant.
Coding change: c.6454G>A on transcript NM_001286577.2 (MANE Select); coding-DNA position 6454, G replaced by A.
Protein change: p.Val2152Ile; replaces valine 2152 with isoleucine.
Molecular consequence: missense variant.
Genome position (GRCh38, 1-based): chr11:74,033,706, C>T on the plus strand (G>A on the coding strand, the complement: C2CD3 is on the minus strand). VCF-style: chr11-74033706-C-T. GRCh37 (hg19) VCF-style: chr11-73744751-C-T.
Other names: short protein forms V2152I.
Identifiers: ClinVar variation 1953320 (VCV001953320.5), dbSNP rs1255004843, ClinGen allele CA381820258.

ClinVar aggregate classification (germline): Uncertain significance (1 of 4 stars; one submission).

Allele frequency attached by ClinVar (database versions not stated): TOPMed below 0.00001.
gnomAD v4.1: 6 of 1,536,396 alleles (0.00039%); highest among the groups gnomAD compares: Middle Eastern, 0.017%; no homozygotes.

Submission:

Labcorp Genetics (formerly Invitae), Labcorp
Classification: Uncertain significance. Last evaluated: 2022-05-11. Review status: criteria provided, single submitter. Criteria: Invitae Variant Classification Sherloc (09022015). Collection method: clinical testing. Allele origin: germline.
Comment: The C2CD3 gene has multiple clinically relevant transcripts. This variant occurs in alternate transcript NM_001286577.1, and corresponds to NM_015531.5:c.*892G>A in the primary transcript. In summary, the available evidence is currently insufficient to determine the role of this variant in disease. Therefore, it has been classified as a Variant of Uncertain Significance. Experimental studies and prediction algorithms are not available or were not evaluated, and the functional significance of this variant is currently unknown. This variant has not been reported in the literature in individuals affected with C2CD3-related conditions. This variant is present in population databases (no rsID available, gnomAD 0.004%). This sequence change replaces valine, which is neutral and non-polar, with isoleucine, which is neutral and non-polar, at codon 2152 of the C2CD3 protein (p.Val2152Ile).